The following is an entry in ClinVar:

NM_016151.4(TAOK2):c.3416C>T (p.Thr1139Ile)

Gene: TAOK2 (TAO kinase 2; plus strand). Cytogenetic location: 16p11.2.
Variant type: single nucleotide variant.
Coding change: c.3416C>T on transcript NM_016151.4 (MANE Select); coding-DNA position 3416, C replaced by T.
Protein change: p.Thr1139Ile; replaces threonine 1139 with isoleucine.
Molecular consequence: missense variant. On other transcripts: intron variant (1).
Genome position (GRCh38, 1-based): chr16:29,987,688, C>T. VCF-style: chr16-29987688-C-T. GRCh37 (hg19) VCF-style: chr16-29999009-C-T.
Other names: c.3416C>T (NM_016151.2); c.3077C>T, p.Thr1026Ile (NM_001252043.2); c.2232+1184C>T (NM_004783.4); short protein forms T1026I, T1139I.
Identifiers: ClinVar variation 2889426 (VCV002889426.4), dbSNP rs766185229, ClinGen allele CA7998571.
Genomic context (GRCh38, chr16:29,987,688, plus strand): 5'-ACAAGGATGGCTTCCGCAGCCGCCTGCCCGTCCCTGGGCCCCGGCGGCGTAATCCCCGCA[C>T]CACCCAACACCCATTAGCTCTGTTGGCAAGGGTCTGGGTCCTGTGCAAGGGCTGGAACTG-3'
Protein context (NP_057235.2, residues 1129-1149): VPGPRRRNPR[Thr1139Ile]TQHPLALLAR

ClinVar aggregate classification (germline): Uncertain significance. Review status: criteria provided, multiple submitters, no conflicts (2 of 4 stars). 2 submissions from 2 submitters: Uncertain significance (2). Last evaluated 2025-09-11.

Allele frequency attached by ClinVar (database versions not stated): gnomAD exomes 0.00001; ExAC 0.00001; TOPMed 0.00006; gnomAD 0.00007.
gnomAD v4.1: 25 of 1,613,926 alleles (0.0015%); highest among the groups gnomAD compares: African/African-American, 0.016%; no homozygotes.

Submissions (2):

Labcorp Genetics (formerly Invitae), Labcorp
Classification: Uncertain significance. Last evaluated: 2025-09-11. Review status: criteria provided, single submitter. Criteria: Invitae Variant Classification Sherloc (09022015). Collection method: clinical testing. Allele origin: germline.
Comment: This sequence change replaces threonine, which is neutral and polar, with isoleucine, which is neutral and non-polar, at codon 1139 of the TAOK2 protein (p.Thr1139Ile). This variant is present in population databases (rs766185229, gnomAD 0.01%). This variant has not been reported in the literature in individuals affected with TAOK2-related conditions. ClinVar contains an entry for this variant (Variation ID: 2889426). An algorithm developed to predict the effect of missense changes on protein structure and function (PolyPhen-2) suggests that this variant is likely to be tolerated. In summary, the available evidence is currently insufficient to determine the role of this variant in disease. Therefore, it has been classified as a Variant of Uncertain Significance.

Ambry Genetics
Classification: Uncertain significance. Last evaluated: 2024-01-17. Review status: criteria provided, single submitter. Criteria: Ambry Variant Classification Scheme 2023. Collection method: clinical testing. Allele origin: germline.